The following is an entry in ClinVar:

ClinVar aggregate classification (germline): Benign. Review status: criteria provided, multiple submitters, no conflicts (2 of 4 stars). 3 submissions from 3 submitters: Benign (2). 1 of the submissions does not count toward it. Last evaluated 2018-07-23.

Conditions:
CD44-related disorder. Also called: CD44-related condition.

Allele frequency attached by ClinVar (database versions not stated): 1000 Genomes Project 0.00459; gnomAD 0.00495 and 0.00528; ExAC 0.00146; 1000 Genomes Project 30x 0.00453; ESP Exome Variant Server 0.00608; gnomAD exomes 0.00039 and 0.00122; TOPMed 0.00518.
gnomAD v4.1: 1,336 of 1,613,774 alleles (0.083%); highest among the groups gnomAD compares: African/African-American, 1.7%; 10 homozygotes.

Submissions (3):

Labcorp Genetics (formerly Invitae), Labcorp
Classification: Benign. Last evaluated: 2018-07-23. Review status: criteria provided, single submitter. Criteria: Invitae Variant Classification Sherloc (09022015). Collection method: clinical testing. Allele origin: germline.

Breakthrough Genomics
Classification: Benign. Review status: criteria provided, single submitter. Criteria: ACMG Guidelines, 2015. Collection method: not provided. Allele origin: germline. Inheritance: Unknown mechanism. Affected: yes.

PreventionGenetics, part of Exact Sciences
Classification: Benign for CD44-related condition. Last evaluated: 2019-08-20. Review status: no assertion criteria provided. Collection method: clinical testing. Allele origin: germline. Not counted in ClinVar's aggregate classification.
Comment: This variant is classified as benign based on ACMG/AMP sequence variant interpretation guidelines (Richards et al. 2015 PMID: 25741868, with internal and published modifications).

NM_000610.4(CD44):c.735T>C (p.Phe245=)

Gene: CD44 (CD44 molecule (IN blood group); plus strand). Cytogenetic location: 11p13.
Variant type: single nucleotide variant.
Coding change: c.735T>C on transcript NM_000610.4 (MANE Select); coding-DNA position 735, T replaced by C.
Protein change: p.Phe245=; no amino-acid change (phenylalanine 245 retained).
Molecular consequence: synonymous variant. On other transcripts: intron variant (7).
Genome position (GRCh38, 1-based): chr11:35,196,813, T>C. VCF-style: chr11-35196813-T-C. GRCh37 (hg19) VCF-style: chr11-35218360-T-C.
Other names: c.668-1308T>C (NM_001001389.2); c.667+6748T>C (NM_001001390.2, NM_001202555.2, NM_001001391.2 and 2 more transcripts); c.233+20073T>C (NM_001001392.2).
Identifiers: ClinVar variation 786918 (VCV000786918.6), dbSNP rs35911720, ClinGen allele CA5946473.
Genomic context (GRCh38, chr11:35,196,813, plus strand): 5'-GAGCACTAGTGCTACAGCAACTGAGACAGCAACCAAGAGGCAAGAAACCTGGGATTGGTT[T>C]TCATGGTTGTTTCTACCATCAGAGTCAAAGAATCATCTTCACACAACAACACAAATGGCT-3'
Protein context (NP_000601.3, residues 235-255): ATKRQETWDW[Phe245=]SWLFLPSESK